The following is an entry in ClinVar:

ClinVar aggregate classification (germline): Likely benign. Review status: criteria provided, single submitter (1 of 4 stars). 2 submissions from 2 submitters: Likely benign (1). 1 of the submissions does not count toward it. Last evaluated 2025-10-28.

Conditions:
SNIP1-related disorder. Also called: SNIP1-related condition.

Allele frequency attached by ClinVar (database versions not stated): gnomAD exomes 0.00011 and 0.00035; ExAC 0.00044; gnomAD 0.00123 and 0.00126; TOPMed 0.00126; ESP Exome Variant Server 0.00162; 1000 Genomes Project 0.00220; 1000 Genomes Project 30x 0.00250.
gnomAD v4.1: 363 of 1,613,026 alleles (0.023%); highest among the groups gnomAD compares: African/African-American, 0.39%; 1 homozygote.

Submissions (2):

Labcorp Genetics (formerly Invitae), Labcorp
Classification: Likely benign. Last evaluated: 2025-10-28. Review status: criteria provided, single submitter. Criteria: Invitae Variant Classification Sherloc (09022015). Collection method: clinical testing. Allele origin: germline.

PreventionGenetics, part of Exact Sciences
Classification: Likely benign for SNIP1-related condition. Last evaluated: 2023-03-30. Review status: no assertion criteria provided. Collection method: clinical testing. Allele origin: germline. Not counted in ClinVar's aggregate classification.
Comment: This variant is classified as likely benign based on ACMG/AMP sequence variant interpretation guidelines (Richards et al. 2015 PMID: 25741868, with internal and published modifications).

NM_024700.4(SNIP1):c.104G>A (p.Ser35Asn)

Gene: SNIP1 (Smad nuclear interacting protein 1; minus strand). Cytogenetic location: 1p34.3.
Variant type: single nucleotide variant.
Coding change: c.104G>A on transcript NM_024700.4 (MANE Select); coding-DNA position 104, G replaced by A.
Protein change: p.Ser35Asn; replaces serine 35 with asparagine.
Molecular consequence: missense variant.
Genome position (GRCh38, 1-based): chr1:37,554,126, C>T on the plus strand (G>A on the coding strand, the complement: SNIP1 is on the minus strand). VCF-style: chr1-37554126-C-T. GRCh37 (hg19) VCF-style: chr1-38019727-C-T.
Other names: short protein forms S35N.
Identifiers: ClinVar variation 783190 (VCV000783190.11), dbSNP rs137902870, ClinGen allele CA771429.